The following is an entry in ClinVar:

NM_032447.5(FBN3):c.5223C>T (p.Ile1741=)

Gene: FBN3 (fibrillin 3; minus strand). Cytogenetic location: 19p13.2.
Variant type: single nucleotide variant.
Coding change: c.5223C>T on transcript NM_032447.5 (MANE Select); coding-DNA position 5223, C replaced by T.
Protein change: p.Ile1741=; no amino-acid change (isoleucine 1741 retained).
Molecular consequence: synonymous variant.
Genome position (GRCh38, 1-based): chr19:8,097,353, G>A on the plus strand (C>T on the coding strand, the complement: FBN3 is on the minus strand). VCF-style: chr19-8097353-G-A. GRCh37 (hg19) VCF-style: chr19-8162237-G-A.
Other names: c.5223C>T (NM_001321431.1); c.5223C>T, p.Ile1741= (NM_001321431.2).
Identifiers: ClinVar variation 707994 (VCV000707994.33), dbSNP rs138444808, ClinGen allele CA9151745.

ClinVar aggregate classification (germline): Benign/Likely benign. Review status: criteria provided, multiple submitters, no conflicts (2 of 4 stars). 4 submissions from 4 submitters: Benign (2); Likely benign (1). 1 of the submissions does not count toward it. Last evaluated 2025-12-23.

Conditions:
FBN3-related disorder. Also called: FBN3-related condition.

Allele frequency attached by ClinVar (database versions not stated): ExAC 0.00037; gnomAD 0.00089; ESP Exome Variant Server 0.00100; 1000 Genomes Project 0.00120; 1000 Genomes Project 30x 0.00125; TOPMed 0.00126.
gnomAD v4.1: 616 of 1,610,658 alleles (0.038%); highest among the groups gnomAD compares: African/African-American, 0.37%; no homozygotes.

Submissions (4):

Labcorp Genetics (formerly Invitae), Labcorp
Classification: Benign. Last evaluated: 2025-12-23. Review status: criteria provided, single submitter. Criteria: Invitae Variant Classification Sherloc (09022015). Collection method: clinical testing. Allele origin: germline.

CeGaT Center for Human Genetics Tuebingen
Classification: Likely benign. Last evaluated: 2023-02-01. Review status: criteria provided, single submitter. Criteria: CeGaT Center For Human Genetics Tuebingen Variant Classification Criteria Version 2. Collection method: clinical testing. Allele origin: germline. Affected: yes. Observed: 1 variant allele.
Comment: FBN3: BP4, BP7

Breakthrough Genomics
Classification: Benign. Review status: criteria provided, single submitter. Criteria: ACMG Guidelines, 2015. Collection method: not provided. Allele origin: germline. Inheritance: Unknown mechanism. Affected: yes.

PreventionGenetics, part of Exact Sciences
Classification: Likely benign for FBN3-related condition. Last evaluated: 2020-01-02. Review status: no assertion criteria provided. Collection method: clinical testing. Allele origin: germline. Not counted in ClinVar's aggregate classification.
Comment: This variant is classified as likely benign based on ACMG/AMP sequence variant interpretation guidelines (Richards et al. 2015 PMID: 25741868, with internal and published modifications).